The following is an entry in ClinVar:

ClinVar aggregate classification (germline): Uncertain significance (1 of 4 stars; one submission).

Conditions:
Hereditary cancer-predisposing syndrome. Also called: Tumor predisposition; Hereditary Cancer Syndrome; Hereditary neoplastic syndrome; Neoplastic Syndromes, Hereditary. Identifiers: Orphanet 140162, MedGen C0027672, MeSH D009386, MONDO:0015356.

Submission:

Ambry Genetics
Classification: Uncertain significance for Hereditary cancer-predisposing syndrome. Last evaluated: 2023-06-28. Review status: criteria provided, single submitter. Criteria: Ambry Variant Classification Scheme 2023. Collection method: clinical testing. Allele origin: germline.
Comment: The c.468+3A>G intronic variant results from an A to G substitution 3 nucleotides after coding exon 3 in the CTNNA1 gene. This nucleotide position is poorly conserved in available vertebrate species. In silico splice site analysis predicts that this alteration will not have any significant effect on splicing. The evidence for this gene-disease relationship is limited; therefore, the clinical significance of this alteration is unclear.

NM_001903.5(CTNNA1):c.468+3A>G

Gene: CTNNA1 (catenin alpha 1; plus strand). Cytogenetic location: 5q31.2.
Variant type: single nucleotide variant.
Coding change: c.468+3A>G on transcript NM_001903.5 (MANE Select); 3 bases into the intron after coding-DNA position 468, A replaced by G.
Molecular consequence: intron variant.
Genome position (GRCh38, 1-based): chr5:138,810,207, A>G. VCF-style: chr5-138810207-A-G. GRCh37 (hg19) VCF-style: chr5-138145896-A-G.
Other names: c.468+3A>G (NM_001323982.2, NM_001323984.2, NM_001290307.3 and 3 more transcripts); c.99+3A>G (NM_001290310.3); c.159+3A>G (NM_001290309.3).
Identifiers: ClinVar variation 2625471 (VCV002625471.2), dbSNP rs2532331475, ClinGen allele CA2582341648.